The following is an entry in ClinVar:

NM_001199138.2(NLRC4):c.1852G>A (p.Gly618Arg)

Gene: NLRC4 (NLR family CARD domain containing 4; minus strand). Cytogenetic location: 2p22.3.
Variant type: single nucleotide variant.
Coding change: c.1852G>A on transcript NM_001199138.2 (MANE Select); coding-DNA position 1852, G replaced by A.
Protein change: p.Gly618Arg; replaces glycine 618 with arginine.
Molecular consequence: missense variant. On other transcripts: intron variant (1).
Genome position (GRCh38, 1-based): chr2:32,250,012, C>T on the plus strand (G>A on the coding strand, the complement: NLRC4 is on the minus strand). VCF-style: chr2-32250012-C-T. GRCh37 (hg19) VCF-style: chr2-32475081-C-T.
Other names: c.1852G>A, p.Gly618Arg (NM_001199139.2, NM_021209.5); c.262+2407G>A (NM_001302504.1); short protein forms G618R.
Identifiers: ClinVar variation 2160801 (VCV002160801.3), dbSNP rs2466757686, ClinGen allele CA346511557.

ClinVar aggregate classification (germline): Uncertain significance (1 of 4 stars; one submission).

Conditions:
Periodic fever-infantile enterocolitis-autoinflammatory syndrome. Also called: Autoinflammation with infantile enterocolitis. Identifiers: Orphanet 436166, MedGen C4015067, MONDO:0014472, OMIM 616050.
Familial cold autoinflammatory syndrome 4 (FCAS4). Identifiers: Orphanet 47045, Orphanet 576349, MedGen C4015276, MONDO:0014498, OMIM 616115.

gnomAD v4.1: 2 of 1,614,198 alleles (0.00012%); highest among the groups gnomAD compares: Non-Finnish European, 0.00017%; no homozygotes.

Submission:

Labcorp Genetics (formerly Invitae), Labcorp
Classification: Uncertain significance for Periodic fever-infantile enterocolitis-autoinflammatory syndrome; Familial cold autoinflammatory syndrome 4. Last evaluated: 2022-09-12. Review status: criteria provided, single submitter. Criteria: Invitae Variant Classification Sherloc (09022015). Collection method: clinical testing. Allele origin: germline.
Comment: This sequence change replaces glycine, which is neutral and non-polar, with arginine, which is basic and polar, at codon 618 of the NLRC4 protein (p.Gly618Arg). This variant is not present in population databases (gnomAD no frequency). This variant has not been reported in the literature in individuals affected with NLRC4-related conditions. Advanced modeling of protein sequence and biophysical properties (such as structural, functional, and spatial information, amino acid conservation, physicochemical variation, residue mobility, and thermodynamic stability) performed at Invitae indicates that this missense variant is expected to disrupt NLRC4 protein function. Algorithms developed to predict the effect of sequence changes on RNA splicing suggest that this variant may create or strengthen a splice site. In summary, the available evidence is currently insufficient to determine the role of this variant in disease. Therefore, it has been classified as a Variant of Uncertain Significance.